The following is an entry in ClinVar:

NM_005235.3(ERBB4):c.563G>A (p.Arg188His)

Gene: ERBB4 (erb-b2 receptor tyrosine kinase 4; minus strand). Cytogenetic location: 2q34.
Variant type: single nucleotide variant.
Coding change: c.563G>A on transcript NM_005235.3 (MANE Select); coding-DNA position 563, G replaced by A.
Protein change: p.Arg188His; replaces arginine 188 with histidine.
Molecular consequence: missense variant.
Genome position (GRCh38, 1-based): chr2:211,750,698, C>T on the plus strand (G>A on the coding strand, the complement: ERBB4 is on the minus strand). VCF-style: chr2-211750698-C-T. GRCh37 (hg19) VCF-style: chr2-212615423-C-T.
Other names: c.563G>A, p.Arg188His (NM_001042599.2); short protein forms R188H.
Identifiers: ClinVar variation 1951332 (VCV001951332.5), dbSNP rs191386517, ClinGen allele CA2088394.

ClinVar aggregate classification (germline): Uncertain significance (1 of 4 stars; one submission).

Allele frequency attached by ClinVar (database versions not stated): ExAC 0.00001; gnomAD 0.00002; gnomAD exomes 0.00002; TOPMed 0.00002; ESP Exome Variant Server 0.00008; 1000 Genomes Project 30x 0.00016; 1000 Genomes Project 0.00020.

Submission:

Labcorp Genetics (formerly Invitae), Labcorp
Classification: Uncertain significance. Last evaluated: 2023-06-25. Review status: criteria provided, single submitter. Criteria: Invitae Variant Classification Sherloc (09022015). Collection method: clinical testing. Allele origin: germline.
Comment: This sequence change replaces arginine, which is basic and polar, with histidine, which is basic and polar, at codon 188 of the ERBB4 protein (p.Arg188His). In summary, the available evidence is currently insufficient to determine the role of this variant in disease. Therefore, it has been classified as a Variant of Uncertain Significance. ClinVar contains an entry for this variant (Variation ID: 1951332). Advanced modeling of protein sequence and biophysical properties (such as structural, functional, and spatial information, amino acid conservation, physicochemical variation, residue mobility, and thermodynamic stability) performed at Invitae indicates that this missense variant is not expected to disrupt ERBB4 protein function. This variant has not been reported in the literature in individuals affected with ERBB4-related conditions. This variant is present in population databases (rs191386517, gnomAD 0.006%).